The following is an entry in ClinVar:

ClinVar aggregate classification (germline): Benign/Likely benign. Review status: criteria provided, multiple submitters, no conflicts (2 of 4 stars). 2 submissions from 2 submitters: Benign (1); Likely benign (1). Last evaluated 2026-06-01.

Conditions:
Megalencephaly-polymicrogyria-postaxial polydactyly-hydrocephalus syndrome. Also called: MPPH Syndrome; MEG-PMG-MEGACC SYNDROME. Identifiers: Orphanet 83473, MedGen C1863924, MONDO:0019375.

Allele frequency attached by ClinVar (database versions not stated): gnomAD 0.00002; gnomAD exomes 0.00002; TOPMed 0.00005; ExAC 0.00011.
gnomAD v4.1: 33 of 1,460,670 alleles (0.0023%); highest among the groups gnomAD compares: Non-Finnish European, 0.0027%; no homozygotes.

Submissions (2):

CeGaT Center for Human Genetics Tuebingen
Classification: Likely benign. Last evaluated: 2026-06-01. Review status: criteria provided, single submitter. Criteria: CeGaT Center For Human Genetics Tuebingen Variant Classification Criteria Version 2. Collection method: clinical testing. Allele origin: germline. Affected: yes. Observed: 1 variant allele.
Comment: PIK3R2: BP4, BS2

Labcorp Genetics (formerly Invitae), Labcorp
Classification: Benign for Megalencephaly-polymicrogyria-postaxial polydactyly-hydrocephalus syndrome. Last evaluated: 2025-02-04. Review status: criteria provided, single submitter. Criteria: Invitae Variant Classification Sherloc (09022015). Collection method: clinical testing. Allele origin: germline.

NM_005027.4(PIK3R2):c.304G>A (p.Asp102Asn)

Gene: PIK3R2 (phosphoinositide-3-kinase regulatory subunit 2; plus strand). Cytogenetic location: 19p13.11.
Variant type: single nucleotide variant.
Coding change: c.304G>A on transcript NM_005027.4 (MANE Select); coding-DNA position 304, G replaced by A.
Protein change: p.Asp102Asn; replaces aspartic acid 102 with asparagine.
Molecular consequence: missense variant. On other transcripts: non-coding transcript variant (2).
Genome position (GRCh38, 1-based): chr19:18,156,183, G>A. VCF-style: chr19-18156183-G-A. GRCh37 (hg19) VCF-style: chr19-18266993-G-A.
Other names: short protein forms D102N.
Identifiers: ClinVar variation 1166925 (VCV001166925.10), dbSNP rs774502328, ClinGen allele CA9306686.
Genomic context (GRCh38, chr19:18,156,183, plus strand): 5'-GCCCTGGCCCGGCCCGGCCCTCGCCCACGGGGCCCCCGCCCACTGCCCGCCAGGCCCCGT[G>A]ATGGGGCCCCTGAGCCAGGTGAGCAGCAAGCAGGGGCCCTGGAAAGGGGGGTGGTCCCCT-3'
Protein context (NP_005018.2, residues 92-112): GPRPLPARPR[Asp102Asn]GAPEPGLTLP